The following is an entry in ClinVar:

NM_000051.4(ATM):c.3320T>A (p.Leu1107Ter)

Gene: ATM (ATM serine/threonine kinase; plus strand). Cytogenetic location: 11q22.3.
Variant type: single nucleotide variant.
Coding change: c.3320T>A on transcript NM_000051.4 (MANE Select); coding-DNA position 3320, T replaced by A.
Protein change: p.Leu1107Ter; replaces leucine 1107 with a stop codon.
Molecular consequence: nonsense.
Genome position (GRCh38, 1-based): chr11:108,279,526, T>A. VCF-style: chr11-108279526-T-A. GRCh37 (hg19) VCF-style: chr11-108150253-T-A.
Other names: c.3320T>A, p.Leu1107Ter (NM_001351834.2); short protein forms L1107*.
Identifiers: ClinVar variation 407734 (VCV000407734.25), dbSNP rs1060501711, ClinGen allele CA16613322.

ClinVar aggregate classification (germline): Pathogenic. Review status: criteria provided, multiple submitters, no conflicts (2 of 4 stars). 7 submissions from 7 submitters: Pathogenic (5). 2 of the submissions do not count toward it. Last evaluated 2025-12-21.

Conditions:
Familial cancer of breast. Also called: Hereditary breast cancer; hereditary breast carcinoma; BREAST CANCER, FAMILIAL. Identifiers: Orphanet 227535, MedGen C0346153, MONDO:0016419, OMIM 114480. Disease mechanism: loss of function.
ATM-related disorder. Also called: ATM-related disorders; ATM-related condition.
Hereditary cancer-predisposing syndrome. Also called: Hereditary neoplastic syndrome; Neoplastic Syndromes, Hereditary; Tumor predisposition; Hereditary Cancer Syndrome. Identifiers: Orphanet 140162, MedGen C0027672, MeSH D009386, MONDO:0015356.
Ataxia-telangiectasia syndrome (AT). Also called: Ataxia telangiectasia (A-T); LOUIS-BAR SYNDROME; Cerebello-oculocutaneous telangiectasia; Immunodeficiency with ataxia telangiectasia; Ataxia-telangiectasia, complementation group D; AT, COMPLEMENTATION GROUP C. Identifiers: Orphanet 100, MedGen C0004135, MONDO:0008840, OMIM 208900.

Allele frequency attached by ClinVar (database versions not stated): gnomAD exomes below 0.00001.
gnomAD v4.1: 1 of 1,613,444 alleles (0.000062%); highest among the groups gnomAD compares: Non-Finnish European, 0.000085%; no homozygotes.

Submissions (7):

Labcorp Genetics (formerly Invitae), Labcorp
Classification: Pathogenic for Ataxia-telangiectasia syndrome. Last evaluated: 2025-12-21. Review status: criteria provided, single submitter. Criteria: Invitae Variant Classification Sherloc (09022015). Collection method: clinical testing. Allele origin: germline.
Comment: This sequence change creates a premature translational stop signal (p.Leu1107*) in the ATM gene. It is expected to result in an absent or disrupted protein product. Loss-of-function variants in ATM are known to be pathogenic (PMID: 23807571, 25614872). This variant is not present in population databases (gnomAD no frequency). This variant has not been reported in the literature in individuals affected with ATM-related conditions. ClinVar contains an entry for this variant (Variation ID: 407734). RNA analysis performed to evaluate the impact of this premature translational stop signal on mRNA splicing indicates it does not significantly alter splicing (internal data). For these reasons, this variant has been classified as Pathogenic.

Ambry Genetics
Classification: Pathogenic for Hereditary cancer-predisposing syndrome. Last evaluated: 2024-08-27. Review status: criteria provided, single submitter. Criteria: Ambry Variant Classification Scheme 2023. Collection method: clinical testing. Allele origin: germline.
Comment: The p.L1107* pathogenic mutation (also known as c.3320T>A), located in coding exon 22 of the ATM gene, results from a T to A substitution at nucleotide position 3320. This changes the amino acid from a leucine to a stop codon within coding exon 22. This variant is considered to be rare based on population cohorts in the Genome Aggregation Database (gnomAD). This alteration is expected to result in loss of function by premature protein truncation or nonsense-mediated mRNA decay. As such, this alteration is interpreted as a disease-causing mutation.

Color Diagnostics, LLC DBA Color Health
Classification: Pathogenic for Hereditary cancer-predisposing syndrome. Last evaluated: 2024-08-19. Review status: criteria provided, single submitter. Criteria: ACMG Guidelines, 2015. Collection method: clinical testing. Allele origin: germline.
Comment: This variant changes 1 nucleotide in exon 23/63 of the ATM gene, creating a premature translation stop signal. This variant is expected to result in an absent or non-functional protein product. This variant has been reported in individuals affected with prostate cancer (PMID: 27989354). This variant has not been identified in the general population by the Genome Aggregation Database (gnomAD). Loss of ATM function is a known mechanism of disease. Based on the available evidence, this variant is classified as Pathogenic.

Baylor Genetics
Classification: Pathogenic for Familial cancer of breast. Last evaluated: 2024-02-29. Review status: criteria provided, single submitter. Criteria: ACMG Guidelines, 2015. Collection method: clinical testing. Allele origin: unknown.

GeneDx
Classification: Pathogenic. Last evaluated: 2014-11-06. Review status: criteria provided, single submitter. Criteria: GeneDx Variant Classification (06012015). Collection method: clinical testing. Allele origin: germline. Affected: yes.
Comment: This pathogenic variant is denoted ATM c.3320T>A at the cDNA level and p.Leu1107Ter (L1107X) at the protein level. The substitution creates a nonsense variant, which changes a Leucine to a premature stop codon (TTA>TAA), and is predicted to cause loss of normal protein function through either protein truncation or nonsense mediated mRNA decay. Although this variant has not, to our knowledge, been reported in the literature, it is considered pathogenic.

PreventionGenetics, part of Exact Sciences
Classification: Pathogenic for ATM-related condition. Last evaluated: 2024-03-05. Review status: no assertion criteria provided. Collection method: clinical testing. Allele origin: germline. Not counted in ClinVar's aggregate classification.
Comment: The ATM c.3320T>A variant is predicted to result in premature protein termination (p.Leu1107*). This variant has been reported in individual(s) with prostate cancer (example, Fig. 1, Na et al 2017. PubMed ID: 27989354). This variant has not been reported in a large population database, indicating this variant is rare. This variant is interpreted as pathogenic in ClinVar. Nonsense variants in ATM are expected to be pathogenic. This variant is interpreted as pathogenic.

Natera, Inc.
Classification: Pathogenic for Ataxia-telangiectasia. Last evaluated: 2020-09-16. Review status: no assertion criteria provided. Collection method: clinical testing. Allele origin: germline. Not counted in ClinVar's aggregate classification.

Literature cited by the submitters: PubMed 23807571 (cited by Labcorp Genetics (formerly Invitae), Labcorp); PubMed 25614872 (cited by Labcorp Genetics (formerly Invitae), Labcorp); PubMed 27989354 (cited by Color Diagnostics, LLC DBA Color Health).